The following is an entry in ClinVar:

NM_003098.3(SNTA1):c.856A>G (p.Thr286Ala)

Gene: SNTA1 (syntrophin alpha 1; minus strand). Cytogenetic location: 20q11.21.
Variant type: single nucleotide variant.
Coding change: c.856A>G on transcript NM_003098.3 (MANE Select); coding-DNA position 856, A replaced by G.
Protein change: p.Thr286Ala; replaces threonine 286 with alanine.
Molecular consequence: missense variant.
Genome position (GRCh38, 1-based): chr20:33,412,628, T>C on the plus strand (A>G on the coding strand, the complement: SNTA1 is on the minus strand). VCF-style: chr20-33412628-T-C. GRCh37 (hg19) VCF-style: chr20-32000434-T-C.
Other names: c.856A>G, p.Thr286Ala (NM_001424413.1, NM_001424414.1); short protein forms T286A.
Identifiers: ClinVar variation 4750089 (VCV004750089.1).

ClinVar aggregate classification (germline): Uncertain significance (1 of 4 stars; one submission).

Conditions:
Long QT syndrome (LQTS). Identifiers: MedGen C0023976, MeSH D008133, MONDO:0002442. Disease mechanism: loss of function. Inheritance: Various modes of inheritance.

gnomAD v4.1: 1 of 1,613,966 alleles (0.000062%); highest among the groups gnomAD compares: Non-Finnish European, 0.000085%; no homozygotes.

Submission:

Labcorp Genetics (formerly Invitae), Labcorp
Classification: Uncertain significance for Long QT syndrome. Last evaluated: 2026-01-04. Review status: criteria provided, single submitter. Criteria: Invitae Variant Classification Sherloc (09022015). Collection method: clinical testing. Allele origin: germline.
Comment: This sequence change replaces threonine, which is neutral and polar, with alanine, which is neutral and non-polar, at codon 286 of the SNTA1 protein (p.Thr286Ala). This variant is present in population databases (rs749033540, gnomAD 0.0009%). This variant has not been reported in the literature in individuals affected with SNTA1-related conditions. An algorithm developed to predict the effect of missense changes on protein structure and function outputs the following: PolyPhen-2: "Benign". The alanine amino acid residue is found in multiple mammalian species, which suggests that this missense change does not adversely affect protein function. In summary, the available evidence is currently insufficient to determine the role of this variant in disease. Therefore, it has been classified as a Variant of Uncertain Significance.